The following is an entry in ClinVar:

NM_001042492.3(NF1):c.7158del (p.Phe2386fs)

Gene: NF1 (neurofibromin 1; plus strand). Cytogenetic location: 17q11.2.
Variant type: Deletion.
Coding change: c.7158del on transcript NM_001042492.3 (MANE Select); coding-DNA position 7158, one base deleted (T; older notation c.7158delT).
Protein change: p.Phe2386fs; shifts the reading frame from phenylalanine 2386.
Molecular consequence: frameshift variant.
Genome position (GRCh38, 1-based): chr17:31,343,104, T deleted; the last of 3 consecutive T bases (chr17:31,343,102-31,343,104); deleting any one gives the same sequence. VCF-style (leftmost placement, unchanged base first): chr17-31343101-CT-C. GRCh37 (hg19) VCF-style: chr17-29670119-CT-C.
Other names: c.7095delT, p.Phe2365Leufs (NM_000267.4); short protein forms F2365fs, F2386fs.
Identifiers: ClinVar variation 650764 (VCV000650764.5), dbSNP rs1597851420, ClinGen allele CA915949807.

ClinVar aggregate classification (germline): Pathogenic (1 of 4 stars; one submission).

Conditions:
Neurofibromatosis, type 1 (NF1). Also called: VON RECKLINGHAUSEN DISEASE; Neurofibromatosis, type I; NEUROFIBROMATOSIS, TYPE I, SOMATIC; Peripheral type neurofibromatosis. Identifiers: Orphanet 636, MedGen C0027831, MONDO:0018975, OMIM 162200. Disease mechanism: loss of function.

Submission:

Labcorp Genetics (formerly Invitae), Labcorp
Classification: Pathogenic for Neurofibromatosis, type 1. Last evaluated: 2024-12-12. Review status: criteria provided, single submitter. Criteria: Invitae Variant Classification Sherloc (09022015). Collection method: clinical testing. Allele origin: germline.
Comment: This sequence change creates a premature translational stop signal (p.Phe2365Leufs*10) in the NF1 gene. It is expected to result in an absent or disrupted protein product. Loss-of-function variants in NF1 are known to be pathogenic (PMID: 10712197, 23913538). This variant is not present in population databases (gnomAD no frequency). This premature translational stop signal has been observed in individual(s) with neurofibromatosis type 1 (PMID: 10712197). ClinVar contains an entry for this variant (Variation ID: 650764). For these reasons, this variant has been classified as Pathogenic.

Literature cited by the submitters: PubMed 10712197; PubMed 23913538.